The following is an entry in ClinVar:

NM_001261826.3(AP3D1):c.2662G>A (p.Ala888Thr)

Gene: AP3D1 (adaptor related protein complex 3 subunit delta 1; minus strand). Cytogenetic location: 19p13.3.
Variant type: single nucleotide variant.
Coding change: c.2662G>A on transcript NM_001261826.3 (MANE Select); coding-DNA position 2662, G replaced by A.
Protein change: p.Ala888Thr; replaces alanine 888 with threonine.
Molecular consequence: missense variant. On other transcripts: intron variant (1).
Genome position (GRCh38, 1-based): chr19:2,113,353, C>T on the plus strand (G>A on the coding strand, the complement: AP3D1 is on the minus strand). VCF-style: chr19-2113353-C-T. GRCh37 (hg19) VCF-style: chr19-2113352-C-T.
Other names: c.2662G>A, p.Ala888Thr (NM_001374799.1); c.2601+772G>A (NM_003938.8); short protein forms A888T.
Identifiers: ClinVar variation 1418029 (VCV001418029.6), dbSNP rs566126695, ClinGen allele CA9058783.

ClinVar aggregate classification (germline): Uncertain significance (1 of 4 stars; one submission).

Allele frequency attached by ClinVar (database versions not stated): 1000 Genomes Project 0.00020; gnomAD 0.00032 and 0.00045; ExAC 0.00089.
gnomAD v4.1: 20 of 156,242 alleles (0.013%); highest among the groups gnomAD compares: Admixed American, 0.099%; no homozygotes.

Submission:

Labcorp Genetics (formerly Invitae), Labcorp
Classification: Uncertain significance. Last evaluated: 2024-06-10. Review status: criteria provided, single submitter. Criteria: Invitae Variant Classification Sherloc (09022015). Collection method: clinical testing. Allele origin: germline.
Comment: This sequence change replaces alanine, which is neutral and non-polar, with threonine, which is neutral and polar, at codon 888 of the AP3D1 protein (p.Ala888Thr). The frequency data for this variant in the population databases is considered unreliable, as metrics indicate poor data quality at this position in the gnomAD database. This variant has not been reported in the literature in individuals affected with AP3D1-related conditions. ClinVar contains an entry for this variant (Variation ID: 1418029). An algorithm developed to predict the effect of missense changes on protein structure and function (PolyPhen-2) suggests that this variant is likely to be tolerated. In summary, the available evidence is currently insufficient to determine the role of this variant in disease. Therefore, it has been classified as a Variant of Uncertain Significance.